The following is an entry in ClinVar:

NM_080605.4(B3GALT6):c.389A>G (p.Glu130Gly)

Gene: B3GALT6 (beta-1,3-galactosyltransferase 6; plus strand). Cytogenetic location: 1p36.33.
Variant type: single nucleotide variant.
Coding change: c.389A>G on transcript NM_080605.4 (MANE Select); coding-DNA position 389, A replaced by G.
Protein change: p.Glu130Gly; replaces glutamic acid 130 with glycine.
Molecular consequence: missense variant.
Genome position (GRCh38, 1-based): chr1:1,232,667, A>G. VCF-style: chr1-1232667-A-G. GRCh37 (hg19) VCF-style: chr1-1168047-A-G.
Other names: short protein forms E130G.
Identifiers: ClinVar variation 1488768 (VCV001488768.6), dbSNP rs1478246707, ClinGen allele CA337825006.
Genomic context (GRCh38, chr1:1,232,667, plus strand): 5'-AGCGGGAGCAGGCGCGGCACGGGGACCTGCTGCTGCTGCCCGCGCTGCGCGACGCCTACG[A>G]AAACCTCACGGCCAAGGTGCTGGCCATGCTGGCCTGGCTGGACGAGCACGTGGCCTTCGA-3'
Protein context (NP_542172.2, residues 120-140): LLLPALRDAY[Glu130Gly]NLTAKVLAML

ClinVar aggregate classification (germline): Uncertain significance (1 of 4 stars; one submission).

Conditions:
Spondyloepimetaphyseal dysplasia with joint laxity (SEMDJL). Identifiers: MedGen C0432243, MONDO:0019675.
Ehlers-Danlos syndrome, spondylodysplastic type, 2 (EDSSPD2). Also called: Ehlers-Danlos syndrome, progeroid type, 2. Identifiers: Orphanet 536467, Orphanet 75496, MedGen C3809210, MONDO:0014139, OMIM 615349.

Submission:

Labcorp Genetics (formerly Invitae), Labcorp
Classification: Uncertain significance for Ehlers-Danlos syndrome, spondylodysplastic type, 2; Spondyloepimetaphyseal dysplasia with joint laxity. Last evaluated: 2023-08-17. Review status: criteria provided, single submitter. Criteria: Invitae Variant Classification Sherloc (09022015). Collection method: clinical testing. Allele origin: germline.
Comment: This sequence change replaces glutamic acid, which is acidic and polar, with glycine, which is neutral and non-polar, at codon 130 of the B3GALT6 protein (p.Glu130Gly). This variant is not present in population databases (gnomAD no frequency). This variant has not been reported in the literature in individuals affected with B3GALT6-related conditions. ClinVar contains an entry for this variant (Variation ID: 1488768). Advanced modeling of protein sequence and biophysical properties (such as structural, functional, and spatial information, amino acid conservation, physicochemical variation, residue mobility, and thermodynamic stability) performed at Invitae indicates that this missense variant is not expected to disrupt B3GALT6 protein function. In summary, the available evidence is currently insufficient to determine the role of this variant in disease. Therefore, it has been classified as a Variant of Uncertain Significance.